The following is an entry in ClinVar:

ClinVar aggregate classification (germline): Likely benign (1 of 4 stars; one submission).

Conditions:
KCNQ1-related disorder. Also called: KCNQ1-related condition; KCNQ1-related disorders. Identifiers: MedGen CN239322.

gnomAD v4.1: 307 of 395,812 alleles (0.078%); highest among the groups gnomAD compares: South Asian, 3.7%; 2 homozygotes.

Submission:

PreventionGenetics, part of Exact Sciences
Classification: Likely benign for KCNQ1-related condition. Last evaluated: 2026-02-06. Review status: criteria provided, single submitter. Criteria: ACMG Guidelines, 2015. Collection method: clinical testing. Allele origin: germline.
Comment: This variant is classified as likely benign based on ACMG/AMP sequence variant interpretation guidelines (Richards et al. 2015 PMID: 25741868, with internal and published modifications).

NM_000218.3(KCNQ1):c.1514+18012T>G

Genes: KCNQ1 (potassium voltage-gated channel subfamily Q member 1; plus strand), KCNQ1OT1 (KCNQ1 opposite strand/antisense transcript 1; minus strand). Cytogenetic location: 11p15.5.
Variant type: single nucleotide variant.
Coding change: c.1514+18012T>G on transcript NM_000218.3 (MANE Select); 18012 bases into the intron after coding-DNA position 1514, T replaced by G.
Molecular consequence: intron variant. On other transcripts: non-coding transcript variant (1).
Genome position (GRCh38, 1-based): chr11:2,680,093, T>G. VCF-style: chr11-2680093-T-G. GRCh37 (hg19) VCF-style: chr11-2701323-T-G.
Other names: c.1244+18012T>G (NM_001406837.1); c.1418+18012T>G (NM_001406836.1); c.974+18012T>G (NM_001406838.1); c.1133+18012T>G (NM_181798.2).
Identifiers: ClinVar variation 4980097 (VCV004980097.1).
Genomic context (GRCh38, chr11:2,680,093, plus strand): 5'-ACAGACATCTGCCACCATGACTGGCTAATTTTTTTTTTTATTAGAGACAGGGTTTCACCA[T>G]GTTGGCCAGGCTGGTCTCAAACTCCTGACCTCAAGTGATCTGCCCGCCTCAGCCTCCTAA-3'